The following is an entry in ClinVar:

NM_177438.3(DICER1):c.3201A>G (p.Ala1067=)

Gene: DICER1 (dicer 1, ribonuclease III; minus strand). Cytogenetic location: 14q32.13.
Variant type: single nucleotide variant.
Coding change: c.3201A>G on transcript NM_177438.3 (MANE Select); coding-DNA position 3201, A replaced by G.
Protein change: p.Ala1067=; no amino-acid change (alanine 1067 retained).
Molecular consequence: synonymous variant.
Genome position (GRCh38, 1-based): chr14:95,105,139, T>C on the plus strand (A>G on the coding strand, the complement: DICER1 is on the minus strand). VCF-style: chr14-95105139-T-C. GRCh37 (hg19) VCF-style: chr14-95571476-T-C.
Other names: c.3201A>G, p.Ala1067= (NM_001195573.1, NM_001271282.3, NM_001291628.2 and 1 more transcripts).
Identifiers: ClinVar variation 1548733 (VCV001548733.12), dbSNP rs2139986535, ClinGen allele CA487626225.

ClinVar aggregate classification (germline): Benign/Likely benign. Review status: criteria provided, multiple submitters, no conflicts (2 of 4 stars). 3 submissions from 3 submitters: Benign (1); Likely benign (2). Last evaluated 2026-04-17.

Conditions:
DICER1-related tumor predisposition. Also called: DICER1-related pleuropulmonary blastoma cancer predisposition syndrome; DICER1 syndrome. Identifiers: Orphanet 284343, MedGen C3839822, MONDO:0100216.
Hereditary cancer-predisposing syndrome. Also called: Neoplastic Syndromes, Hereditary; Tumor predisposition; Hereditary Cancer Syndrome; Hereditary neoplastic syndrome. Identifiers: Orphanet 140162, MedGen C0027672, MeSH D009386, MONDO:0015356.

Submissions (3):

Myriad Genetics, Inc.
Classification: Benign for DICER1-related tumor predisposition. Last evaluated: 2026-04-17. Review status: criteria provided, single submitter. Criteria: Myriad Autosomal Dominant, Autosomal Recessive and X-Linked Classification Criteria (2023). Collection method: clinical testing. Allele origin: unknown.
Comment: This variant is considered benign. This variant is a silent/synonymous amino acid change and it is not expected to impact splicing.

Labcorp Genetics (formerly Invitae), Labcorp
Classification: Likely benign for DICER1-related tumor predisposition. Last evaluated: 2025-11-26. Review status: criteria provided, single submitter. Criteria: Invitae Variant Classification Sherloc (09022015). Collection method: clinical testing. Allele origin: germline.

Ambry Genetics
Classification: Likely benign for Hereditary cancer-predisposing syndrome. Last evaluated: 2021-02-10. Review status: criteria provided, single submitter. Criteria: Ambry Variant Classification Scheme 2023. Collection method: clinical testing. Allele origin: germline.